The following is an entry in ClinVar:

ClinVar aggregate classification (germline): Uncertain significance. Review status: criteria provided, single submitter (1 of 4 stars). 3 submissions from 3 submitters: Uncertain significance (1). 2 of the submissions do not count toward it. Last evaluated 2024-10-15.

Conditions:
RPGRIP1L-related disorder. Also called: RPGRIP1L-related disorders; RPGRIP1L-related condition. Identifiers: MedGen CN239416.
Joubert syndrome. Also called: JOUBERT-BOLTSHAUSER SYNDROME; Familial aplasia of the vermis. Identifiers: Orphanet 475, MedGen C5979921, MONDO:0018772.
Meckel-Gruber syndrome. Also called: DYSENCEPHALIA SPLANCHNOCYSTICA; GRUBER SYNDROME; Dysencephalia splachnocystica. Identifiers: Orphanet 564, MedGen C0265215, MONDO:0018921.

Allele frequency attached by ClinVar (database versions not stated): TOPMed below 0.00001; gnomAD 0.00001.
gnomAD v4.1: 3 of 1,596,582 alleles (0.00019%); highest among the groups gnomAD compares: Admixed American, 0.005%; no homozygotes.

Submissions (3):

Labcorp Genetics (formerly Invitae), Labcorp
Classification: Uncertain significance for Joubert syndrome; Meckel-Gruber syndrome. Last evaluated: 2024-10-15. Review status: criteria provided, single submitter. Criteria: Invitae Variant Classification Sherloc (09022015). Collection method: clinical testing. Allele origin: germline.
Comment: This sequence change falls in intron 25 of the RPGRIP1L gene. It does not directly change the encoded amino acid sequence of the RPGRIP1L protein. It affects a nucleotide within the consensus splice site. This variant is present in population databases (rs767564258, gnomAD 0.003%). This variant has not been reported in the literature in individuals affected with RPGRIP1L-related conditions. ClinVar contains an entry for this variant (Variation ID: 1051189). Variants that disrupt the consensus splice site are a relatively common cause of aberrant splicing (PMID: 17576681, 9536098). Algorithms developed to predict the effect of sequence changes on RNA splicing suggest that this variant is not likely to affect RNA splicing. In summary, the available evidence is currently insufficient to determine the role of this variant in disease. Therefore, it has been classified as a Variant of Uncertain Significance.

PreventionGenetics, part of Exact Sciences
Classification: Likely benign for RPGRIP1L-related condition. Last evaluated: 2022-04-28. Review status: no assertion criteria provided. Collection method: clinical testing. Allele origin: germline. Not counted in ClinVar's aggregate classification.
Comment: This variant is classified as likely benign based on ACMG/AMP sequence variant interpretation guidelines (Richards et al. 2015 PMID: 25741868, with internal and published modifications).

Natera, Inc.
Classification: Uncertain significance for Joubert syndrome. Last evaluated: 2020-08-18. Review status: no assertion criteria provided. Collection method: clinical testing. Allele origin: germline. Not counted in ClinVar's aggregate classification.

Literature cited by the submitters: PubMed 17576681 (cited by Labcorp Genetics (formerly Invitae), Labcorp); PubMed 9536098 (cited by Labcorp Genetics (formerly Invitae), Labcorp).

NM_015272.5(RPGRIP1L):c.3701+4T>C

Gene: RPGRIP1L (RPGRIP1 like; minus strand). Cytogenetic location: 16q12.2.
Variant type: single nucleotide variant.
Coding change: c.3701+4T>C on transcript NM_015272.5 (MANE Select); 4 bases into the intron after coding-DNA position 3701, T replaced by C.
Molecular consequence: intron variant.
Genome position (GRCh38, 1-based): chr16:53,610,963, A>G on the plus strand (T>C on the coding strand, the complement: RPGRIP1L is on the minus strand). VCF-style: chr16-53610963-A-G. GRCh37 (hg19) VCF-style: chr16-53644875-A-G.
Other names: c.3701+4T>C (NM_015272.4); c.3461+4T>C (NM_001127897.4); c.3599+4T>C (NM_001330538.2); c.3563+4T>C (NM_001308334.3).
Identifiers: ClinVar variation 1051189 (VCV001051189.10), dbSNP rs767564258, ClinGen allele CA8057216.